The following is an entry in ClinVar:

NM_006236.3(POU3F3):c.576_596del (p.Ala198_Ala204del)

Gene: POU3F3 (POU class 3 homeobox 3; plus strand). Cytogenetic location: 2q12.1.
Variant type: Deletion.
Coding change: c.576_596del on transcript NM_006236.3 (MANE Select); coding-DNA positions 576 to 596, 21 bases deleted (TGCCGCAGCCGCAGCCGCCGC).
Protein change: p.Ala198_Ala204del.
Molecular consequence: inframe deletion.
Genome position (GRCh38, 1-based): chr2:104,856,086-104,856,106, TGCCGCAGCCGCAGCCGCCGC deleted; deleting any 21 consecutive bases within chr2:104,856,078-104,856,106 gives the same sequence; the c. name uses the placement nearest the transcript's 3' end. VCF-style (leftmost placement, unchanged base first): chr2-104856077-GGCCGCCGCTGCCGCAGCCGCA-G. GRCh37 (hg19) VCF-style: chr2-105472535-GGCCGCCGCTGCCGCAGCCGCA-G.
Other names: c.576_596del, p.Ala198_Ala204del (NM_001433704.1).
Identifiers: ClinVar variation 4975571 (VCV004975571.1).
Genomic context (GRCh38, chr2:104,856,077, plus strand): 5'-GCCGCACCTCGGACCCCCGCCGCCGCCCCCACACCAGGGCCACCCTGGGGGCTGGGGGGC[GGCCGCCGCTGCCGCAGCCGCA>G]GCCGCCGCCGCCGCCGCCGCCGCGCACCTCCCGTCCATGGCCGGGGGCCAGCAGCCGCCG-3'

ClinVar aggregate classification (germline): Uncertain significance (1 of 4 stars; one submission).

Submission:

GeneDx
Classification: Uncertain significance. Last evaluated: 2026-01-23. Review status: criteria provided, single submitter. Criteria: GeneDx Variant Classification Process June 2021. Collection method: clinical testing. Allele origin: germline.
Comment: Not observed at significant frequency in large population cohorts (gnomAD); In-frame deletion of 7 amino acid(s) in a non-repeat region; In silico analysis suggests that this variant does not alter protein structure/function; Has not been previously published as pathogenic or benign to our knowledge